The following is an entry in ClinVar:

ClinVar aggregate classification (germline): Uncertain significance (1 of 4 stars; one submission).

Conditions:
Inborn genetic diseases. Identifiers: MedGen C0950123, MeSH D030342.

Submission:

Ambry Genetics
Classification: Uncertain significance for Inborn genetic diseases. Last evaluated: 2018-04-20. Review status: criteria provided, single submitter. Criteria: Ambry Variant Classification Scheme 2023. Collection method: clinical testing. Allele origin: germline.
Comment: The p.P637S variant (also known as c.1909C>T), located in coding exon 15 of the L1CAM gene, results from a C to T substitution at nucleotide position 1909. The proline at codon 637 is replaced by serine, an amino acid with similar properties. This amino acid position is highly conserved in available vertebrate species. In addition, the in silico prediction for this alteration is inconclusive. Since supporting evidence is limited at this time, the clinical significance of this alteration remains unclear.

NM_001278116.2(L1CAM):c.1909C>T (p.Pro637Ser)

Gene: L1CAM (L1 cell adhesion molecule; minus strand). Cytogenetic location: Xq28.
Variant type: single nucleotide variant.
Coding change: c.1909C>T on transcript NM_001278116.2 (MANE Select); coding-DNA position 1909, C replaced by T.
Protein change: p.Pro637Ser; replaces proline 637 with serine.
Molecular consequence: missense variant.
Genome position (GRCh38, 1-based): chrX:153,867,830, G>A on the plus strand (C>T on the coding strand, the complement: L1CAM is on the minus strand). VCF-style: chrX-153867830-G-A. GRCh37 (hg19) VCF-style: chrX-153133285-G-A.
Other names: c.1909C>T, p.Pro637Ser (NM_000425.5, NM_024003.3); c.1894C>T, p.Pro632Ser (NM_001143963.2); short protein forms P632S, P637S.
Identifiers: ClinVar variation 1782462 (VCV001782462.2), dbSNP rs2520994579, ClinGen allele CA415122546.